The following is an entry in ClinVar:

NM_007055.4(POLR3A):c.1755G>A (p.Pro585=)

Gene: POLR3A (RNA polymerase III subunit A; minus strand). Cytogenetic location: 10q22.3.
Variant type: single nucleotide variant.
Coding change: c.1755G>A on transcript NM_007055.4 (MANE Select); coding-DNA position 1755, G replaced by A.
Protein change: p.Pro585=; no amino-acid change (proline 585 retained).
Molecular consequence: synonymous variant.
Genome position (GRCh38, 1-based): chr10:78,009,879, C>T on the plus strand (G>A on the coding strand, the complement: POLR3A is on the minus strand). VCF-style: chr10-78009879-C-T. GRCh37 (hg19) VCF-style: chr10-79769637-C-T.
Identifiers: ClinVar variation 737586 (VCV000737586.33), dbSNP rs34019581, ClinGen allele CA5571344.

ClinVar aggregate classification (germline): Likely benign. Review status: criteria provided, multiple submitters, no conflicts (2 of 4 stars). 3 submissions from 3 submitters: Likely benign (3). Last evaluated 2025-11-17.

Allele frequency attached by ClinVar (database versions not stated): gnomAD 0.00004 and 0.00005; gnomAD exomes 0.00007 and 0.00011; ESP Exome Variant Server 0.00008; TOPMed 0.00008; ExAC 0.00009; 1000 Genomes Project 30x 0.00031; 1000 Genomes Project 0.00040.
gnomAD v4.1: 163 of 1,614,042 alleles (0.01%); highest among the groups gnomAD compares: Non-Finnish European, 0.013%; no homozygotes.

Submissions (3):

Labcorp Genetics (formerly Invitae), Labcorp
Classification: Likely benign. Last evaluated: 2025-11-17. Review status: criteria provided, single submitter. Criteria: Invitae Variant Classification Sherloc (09022015). Collection method: clinical testing. Allele origin: germline.

CeGaT Center for Human Genetics Tuebingen
Classification: Likely benign. Last evaluated: 2025-03-01. Review status: criteria provided, single submitter. Criteria: CeGaT Center For Human Genetics Tuebingen Variant Classification Criteria Version 2. Collection method: clinical testing. Allele origin: germline. Affected: yes. Observed: 5 variant alleles.
Comment: POLR3A: BP4, BP7

Blueprint Genetics
Classification: Likely benign. Last evaluated: 2023-11-29. Review status: criteria provided, single submitter. Criteria: ACMG Guidelines, 2015. Collection method: clinical testing. Allele origin: germline.